The following is an entry in ClinVar:

NM_005751.5(AKAP9):c.6200A>T (p.Lys2067Ile)

Gene: AKAP9 (A-kinase anchoring protein 9; plus strand). Cytogenetic location: 7q21.2.
Variant type: single nucleotide variant.
Coding change: c.6200A>T on transcript NM_005751.5 (MANE Select); coding-DNA position 6200, A replaced by T.
Protein change: p.Lys2067Ile; replaces lysine 2067 with isoleucine.
Molecular consequence: missense variant.
Genome position (GRCh38, 1-based): chr7:92,065,453, A>T. VCF-style: chr7-92065453-A-T. GRCh37 (hg19) VCF-style: chr7-91694767-A-T.
Other names: c.845A>T, p.Lys282Ile (NM_001379277.1); c.6200A>T, p.Lys2067Ile (NM_147185.3); short protein forms K2067I, K282I.
Identifiers: ClinVar variation 857531 (VCV000857531.10), dbSNP rs1253028052, ClinGen allele CA368132946.

ClinVar aggregate classification (germline): Uncertain significance. Review status: criteria provided, multiple submitters, no conflicts (2 of 4 stars). 2 submissions from 2 submitters: Uncertain significance (2). Last evaluated 2024-01-27.

Conditions:
Cardiovascular phenotype. Identifiers: MedGen CN230736.
Long QT syndrome (LQTS). Identifiers: MedGen C0023976, MeSH D008133, MONDO:0002442. Disease mechanism: loss of function. Inheritance: Various modes of inheritance.

Allele frequency attached by ClinVar (database versions not stated): gnomAD 0.00001; TOPMed 0.00001.
gnomAD v4.1: 1 of 1,608,528 alleles (0.000062%); highest among the groups gnomAD compares: African/African-American, 0.0013%; no homozygotes.

Submissions (2):

Ambry Genetics
Classification: Uncertain significance for Cardiovascular phenotype. Last evaluated: 2024-01-27. Review status: criteria provided, single submitter. Criteria: Ambry Variant Classification Scheme 2023. Collection method: clinical testing. Allele origin: germline.
Comment: The p.K2067I variant (also known as c.6200A>T), located in coding exon 25 of the AKAP9 gene, results from an A to T substitution at nucleotide position 6200. The lysine at codon 2067 is replaced by isoleucine, an amino acid with dissimilar properties. This amino acid position is conserved. In addition, this alteration is predicted to be tolerated by in silico analysis. Based on the available evidence, the clinical significance of this alteration remains unclear.

Labcorp Genetics (formerly Invitae), Labcorp
Classification: Uncertain significance for Long QT syndrome. Last evaluated: 2020-09-14. Review status: criteria provided, single submitter. Criteria: Invitae Variant Classification Sherloc (09022015). Collection method: clinical testing. Allele origin: germline.
Comment: In summary, the available evidence is currently insufficient to determine the role of this variant in disease. Therefore, it has been classified as a Variant of Uncertain Significance. Algorithms developed to predict the effect of missense changes on protein structure and function are either unavailable or do not agree on the potential impact of this missense change (SIFT: "Deleterious"; PolyPhen-2: "Probably Damaging"; Align-GVGD: "Class C0"). This variant has not been reported in the literature in individuals with AKAP9-related conditions. This variant is not present in population databases (ExAC no frequency). This sequence change replaces lysine with isoleucine at codon 2067 of the AKAP9 protein (p.Lys2067Ile). The lysine residue is highly conserved and there is a moderate physicochemical difference between lysine and isoleucine.